The following is an entry in ClinVar:

ClinVar aggregate classification (germline): Likely benign (1 of 4 stars; one submission).

Conditions:
EP300-related disorder. Also called: EP300-related condition; EP300-related disorders.

Submission:

PreventionGenetics, part of Exact Sciences
Classification: Likely benign for EP300-related condition. Last evaluated: 2026-08-18. Review status: criteria provided, single submitter. Criteria: ACMG Guidelines, 2015. Collection method: clinical testing. Allele origin: germline.
Comment: This variant is classified as likely benign based on ACMG/AMP sequence variant interpretation guidelines (Richards et al. 2015 PMID: 25741868, with internal and published modifications).

NM_001429.4(EP300):c.5853A>T (p.Pro1951=)

Gene: EP300 (EP300 lysine acetyltransferase; plus strand). Cytogenetic location: 22q13.2.
Variant type: single nucleotide variant.
Coding change: c.5853A>T on transcript NM_001429.4 (MANE Select); coding-DNA position 5853, A replaced by T.
Protein change: p.Pro1951=; no amino-acid change (proline 1951 retained).
Molecular consequence: synonymous variant.
Genome position (GRCh38, 1-based): chr22:41,177,564, A>T. VCF-style: chr22-41177564-A-T. GRCh37 (hg19) VCF-style: chr22-41573568-A-T.
Other names: c.5775A>T, p.Pro1925= (NM_001362843.2).
Identifiers: ClinVar variation 4994077 (VCV004994077.1).
Genomic context (GRCh38, chr22:41,177,564, plus strand): 5'-GATTCAGAGAGCAGCGGAGACGCAGCGCCAGATGGCCCACGTGCAAATTTTTCAAAGGCC[A>T]ATCCAACACCAGATGCCCCCGATGACTCCCATGGCCCCCATGGGTATGAACCCACCTCCC-3'
Protein context (NP_001420.2, residues 1941-1961): QMAHVQIFQR[Pro1951=]IQHQMPPMTP